The following is an entry in ClinVar:

ClinVar aggregate classification (germline): Uncertain significance. Review status: criteria provided, multiple submitters, no conflicts (2 of 4 stars). 2 submissions from 2 submitters: Uncertain significance (2). Last evaluated 2022-11-26.

Conditions:
Developmental and epileptic encephalopathy, 32 (DEE32). Also called: Epileptic encephalopathy, early infantile, 32. Identifiers: Orphanet 442835, MedGen C4225350, MONDO:0014607, OMIM 616366.

Submissions (2):

Labcorp Genetics (formerly Invitae), Labcorp
Classification: Uncertain significance for Developmental and epileptic encephalopathy, 32. Last evaluated: 2022-11-26. Review status: criteria provided, single submitter. Criteria: Invitae Variant Classification Sherloc (09022015). Collection method: clinical testing. Allele origin: germline.
Comment: In summary, the available evidence is currently insufficient to determine the role of this variant in disease. Therefore, it has been classified as a Variant of Uncertain Significance. Advanced modeling of protein sequence and biophysical properties (such as structural, functional, and spatial information, amino acid conservation, physicochemical variation, residue mobility, and thermodynamic stability) performed at Invitae indicates that this missense variant is expected to disrupt KCNA2 protein function. ClinVar contains an entry for this variant (Variation ID: 1313077). This variant has not been reported in the literature in individuals affected with KCNA2-related conditions. This variant is not present in population databases (gnomAD no frequency). This sequence change replaces serine, which is neutral and polar, with proline, which is neutral and non-polar, at codon 234 of the KCNA2 protein (p.Ser234Pro).

GeneDx
Classification: Uncertain significance. Last evaluated: 2020-07-14. Review status: criteria provided, single submitter. Criteria: GeneDx Variant Classification Process June 2021. Collection method: clinical testing. Allele origin: germline. Affected: yes.
Comment: Not observed in large population cohorts (Lek et al., 2016); In silico analysis supports that this missense variant has a deleterious effect on protein structure/function; Has not been previously published as pathogenic or benign to our knowledge

NM_004974.4(KCNA2):c.700T>C (p.Ser234Pro)

Gene: KCNA2 (potassium voltage-gated channel subfamily A member 2; minus strand). Cytogenetic location: 1p13.3.
Variant type: single nucleotide variant.
Coding change: c.700T>C on transcript NM_004974.4 (MANE Select); coding-DNA position 700, T replaced by C.
Protein change: p.Ser234Pro; replaces serine 234 with proline.
Molecular consequence: missense variant.
Genome position (GRCh38, 1-based): chr1:110,604,083, A>G on the plus strand (T>C on the coding strand, the complement: KCNA2 is on the minus strand). VCF-style: chr1-110604083-A-G. GRCh37 (hg19) VCF-style: chr1-111146705-A-G.
Other names: c.700T>C, p.Ser234Pro (NM_001204269.2); short protein forms S234P.
Identifiers: ClinVar variation 1313077 (VCV001313077.5), dbSNP rs2101399899, ClinGen allele CA341603403.